The following is an entry in ClinVar:

NM_001378454.1(ALMS1):c.10140G>C (p.Glu3380Asp)

Gene: ALMS1 (ALMS1 centrosome and basal body associated protein; plus strand). Cytogenetic location: 2p13.1.
Variant type: single nucleotide variant.
Coding change: c.10140G>C on transcript NM_001378454.1 (MANE Select); coding-DNA position 10140, G replaced by C.
Protein change: p.Glu3380Asp; replaces glutamic acid 3380 with aspartic acid.
Molecular consequence: missense variant.
Genome position (GRCh38, 1-based): chr2:73,557,281, G>C. VCF-style: chr2-73557281-G-C. GRCh37 (hg19) VCF-style: chr2-73784408-G-C.
Other names: c.10143G>C, p.Glu3381Asp (NM_015120.4); short protein forms E3381D, E3380D.
Identifiers: ClinVar variation 550407 (VCV000550407.6), dbSNP rs1045473444, ClinGen allele CA347276523.

ClinVar aggregate classification (germline): Uncertain significance. Review status: criteria provided, single submitter (1 of 4 stars). 2 submissions from 2 submitters: Uncertain significance (1). 1 of the submissions does not count toward it. Last evaluated 2022-07-25.

Conditions:
Alstrom syndrome (ALMS). Identifiers: Orphanet 64, MedGen C0268425, MONDO:0008763, OMIM 203800.

Allele frequency attached by ClinVar (database versions not stated): gnomAD exomes below 0.00001.
gnomAD v4.1: 2 of 1,614,184 alleles (0.00012%); highest among the groups gnomAD compares: Admixed American, 0.0017%; no homozygotes.

Submissions (2):

Labcorp Genetics (formerly Invitae), Labcorp
Classification: Uncertain significance for Alstrom syndrome. Last evaluated: 2022-07-25. Review status: criteria provided, single submitter. Criteria: Invitae Variant Classification Sherloc (09022015). Collection method: clinical testing. Allele origin: germline.
Comment: This variant has not been reported in the literature in individuals affected with ALMS1-related conditions. In summary, the available evidence is currently insufficient to determine the role of this variant in disease. Therefore, it has been classified as a Variant of Uncertain Significance. Experimental studies and prediction algorithms are not available or were not evaluated, and the functional significance of this variant is currently unknown. ClinVar contains an entry for this variant (Variation ID: 550407). This variant is not present in population databases (gnomAD no frequency). This sequence change replaces glutamic acid, which is acidic and polar, with aspartic acid, which is acidic and polar, at codon 3381 of the ALMS1 protein (p.Glu3381Asp).

Counsyl
Classification: Uncertain significance for Alstrom syndrome. Last evaluated: 2017-01-19. Review status: no assertion criteria provided. Collection method: clinical testing. Allele origin: unknown. Not counted in ClinVar's aggregate classification.